The following is an entry in ClinVar:

NM_174936.4(PCSK9):c.1327G>A (p.Ala443Thr)

Gene: PCSK9 (proprotein convertase subtilisin/kexin type 9; plus strand). Cytogenetic location: 1p32.3.
Variant type: single nucleotide variant.
Coding change: c.1327G>A on transcript NM_174936.4 (MANE Select); coding-DNA position 1327, G replaced by A.
Protein change: p.Ala443Thr; replaces alanine 443 with threonine.
Molecular consequence: missense variant.
Genome position (GRCh38, 1-based): chr1:55,058,182, G>A. VCF-style: chr1-55058182-G-A. GRCh37 (hg19) VCF-style: chr1-55523855-G-A.
Other names: short protein forms A443T.
Identifiers: ClinVar variation 262900 (VCV000262900.38), dbSNP rs28362263, ClinGen allele CA036349.
Genomic context (GRCh38, chr1:55,058,182, plus strand): 5'-GTCATCAATGAGGCCTGGTTCCCTGAGGACCAGCGGGTACTGACCCCCAACCTGGTGGCC[G>A]CCCTGCCCCCCAGCACCCATGGGGCAGGTAAGCAGGATGGCAGGGTGGGCAAGTCCAGGC-3'
Protein context (NP_777596.2, residues 433-453): QRVLTPNLVA[Ala443Thr]LPPSTHGAGW

ClinVar aggregate classification (germline): Benign/Likely benign. Review status: criteria provided, multiple submitters, no conflicts (2 of 4 stars). 20 submissions from 19 submitters: Benign (16); Likely benign (1). 3 of the submissions do not count toward it. Last evaluated 2026-02-12.

Conditions:
Hypercholesterolemia, familial, 1. Also called: LDL RECEPTOR DISORDER; Hyperlipoproteinemia Type IIa; HYPER-LOW-DENSITY-LIPOPROTEINEMIA; HYPERCHOLESTEROLEMIC XANTHOMATOSIS, FAMILIAL; Fredrickson type IIa hyperlipoproteinemia; Hyperlipoproteinemia type 2. Identifiers: Orphanet 391665, MedGen C0745103, MONDO:0007750, OMIM 143890.
Cardiovascular phenotype. Identifiers: MedGen CN230736.
Familial hypercholesterolemia. Also called: Familial hypercholesterolemias; Familial hypercholesterolaemia. Identifiers: MedGen C0020445, MONDO:0005439.
Hypobetalipoproteinemia. Identifiers: Orphanet 31154, MedGen C0020597, MONDO:0017774.
Hypercholesterolemia, autosomal dominant, 3 (FHCL3). Also called: Familial Hypercholesterolemia, Autosomal Dominant, 3; PCSK9-Related Familial Hypercholesterolemia, Autosomal Dominant; Familial hypercholesterolemia 3. Identifiers: MedGen C1863551, MONDO:0011369, OMIM 603776.

Allele frequency attached by ClinVar (database versions not stated): ESP Exome Variant Server 0.02845; 1000 Genomes Project 0.02656; 1000 Genomes Project 30x 0.02936; ExAC 0.00892; gnomAD 0.02744.
gnomAD v4.1: 8,180 of 1,613,318 alleles (0.51%); highest among the groups gnomAD compares: African/African-American, 9.4%; 337 homozygotes.

Submissions (20):

GENinCode PLC
Classification: Benign for Familial hypercholesterolemia. Last evaluated: 2026-02-12. Review status: criteria provided, single submitter. Criteria: ACMG Guidelines, 2015. Collection method: clinical testing. Allele origin: germline.
Comment: The PCSK9 c.1327G>A p.(Ala443Thr) missense variant has a GrpMax filtering allele frequency of 0.09175 in the African/ African American genetic ancestry group (gnomAD v4.1.1). This is higher than our in-house threshold (0.005 for BA1) and therefore meets this criterion and is classified as Benign.

Labcorp Genetics (formerly Invitae), Labcorp
Classification: Benign for Hypercholesterolemia, autosomal dominant, 3. Last evaluated: 2026-02-04. Review status: criteria provided, single submitter. Criteria: Invitae Variant Classification Sherloc (09022015). Collection method: clinical testing. Allele origin: germline.

Dasa
Classification: Benign. Last evaluated: 2025-12-02. Review status: criteria provided, single submitter. Criteria: DASA Assertion Criteria. Collection method: clinical testing. Allele origin: germline.
Comment: NM_174936.4(PCSK9):c.1327G>A (p.Ala443Thr) is a missense variant that results in the substitution of alanine with threonine. Population frequency is inconsistent with a disease-causing role for this variant, and observations in unaffected individuals support a benign interpretation. Computational prediction algorithms are consistent with a benign effect. Therefore, based on the currently available evidence, this variant is classified as benign.

ARUP Laboratories, Molecular Genetics and Genomics, ARUP Laboratories
Classification: Benign. Last evaluated: 2025-05-20. Review status: criteria provided, single submitter. Criteria: ARUP Molecular Germline Variant Investigation Process 2024. Collection method: clinical testing. Allele origin: germline.

Molecular Diagnostic Laboratory for Inherited Cardiovascular Disease, Montreal Heart Institute
Classification: Benign. Last evaluated: 2025-04-09. Review status: criteria provided, single submitter. Criteria: ACMG Guidelines, 2015. Collection method: clinical testing. Allele origin: germline. Affected: no.

All of Us Research Program, National Institutes of Health
Classification: Benign for Hypercholesterolemia, autosomal dominant, 3. Last evaluated: 2024-09-28. Review status: criteria provided, single submitter. Criteria: ACMG Guidelines, 2015. Collection method: clinical testing. Allele origin: germline. Inheritance: Autosomal dominant inheritance. Observed: 2,317 variant alleles, 2,219 heterozygotes, 96 homozygotes, 2 hemizygotes.
Comment: This study involves interpretation of variants in research participants for the purpose of population health screening. Participant phenotype was not available at the time of variant classification. Additional details can be found in publication PMID: 35346344, PMCID: PMC8962531

Department of Pathology and Laboratory Medicine, Sinai Health System
Classification: Benign for Hypercholesterolemia, autosomal dominant, 3. Last evaluated: 2023-04-19. Review status: criteria provided, single submitter. Criteria: ACMG Guidelines, 2015. Collection method: research. Allele origin: germline.

Quest Diagnostics Nichols Institute San Juan Capistrano
Classification: Benign. Last evaluated: 2022-06-16. Review status: criteria provided, single submitter. Criteria: Quest Diagnostics criteria. Collection method: clinical testing. Allele origin: unknown.

GeneDx
Classification: Benign. Last evaluated: 2019-06-03. Review status: criteria provided, single submitter. Criteria: GeneDx Variant Classification Process June 2021. Collection method: clinical testing. Allele origin: germline. Affected: yes.
Comment: This variant is associated with the following publications: (PMID: 16211558, 18680192, 23663650, 16909389, 29540175, 30899674, 29447211)

Illumina Laboratory Services, Illumina
Classification: Benign for Hypobetalipoproteinemia. Last evaluated: 2018-01-13. Review status: criteria provided, single submitter. Criteria: ICSL Variant Classification Criteria 13 December 2019. Collection method: clinical testing. Allele origin: germline.
Comment: This variant was observed in the ICSL laboratory as part of a predisposition screen in an ostensibly healthy population. It had not been previously curated by ICSL or reported in the Human Gene Mutation Database (HGMD: prior to June 1st, 2018), and was therefore a candidate for classification through an automated scoring system. Utilizing variant allele frequency, disease prevalence and penetrance estimates, and inheritance mode, an automated score was calculated to assess if this variant is too frequent to cause the disease. Based on the score and internal cut-off values, a variant classified as benign is not then subjected to further curation. The score for this variant resulted in a classification of benign for this disease.

Illumina Laboratory Services, Illumina
Classification: Benign for Hypercholesterolemia, autosomal dominant, 3. Last evaluated: 2018-01-13. Review status: criteria provided, single submitter. Criteria: ICSL Variant Classification Criteria 13 December 2019. Collection method: clinical testing. Allele origin: germline.
Comment: the same text as in the submission from Illumina Laboratory Services, Illumina above.

Robarts Research Institute, Western University
Classification: Benign for Hypercholesterolemia, familial, 1. Last evaluated: 2018-01-02. Review status: criteria provided, single submitter. Criteria: ACMG Guidelines, 2015. Collection method: clinical testing. Allele origin: germline. Inheritance: Autosomal dominant inheritance. Affected: yes.

Color Diagnostics, LLC DBA Color Health
Classification: Benign for Familial hypercholesterolemias. Last evaluated: 2017-05-17. Review status: criteria provided, single submitter. Criteria: ACMG Guidelines, 2015. Collection method: clinical testing. Allele origin: germline.

Centre de Génétique Moléculaire et Chromosomique, Unité de génétique de l'Obésité et des Dyslipidémies, APHP, GH Hôpitaux Universitaires Pitié-Salpêtrière / Charles-Foix
Classification: Likely benign for Hypercholesterolemia, autosomal dominant, 3. Last evaluated: 2016-12-16. Review status: criteria provided, single submitter. Criteria: ACMG Guidelines, 2015. Collection method: clinical testing. Allele origin: germline. Affected: yes.
Comment: subjects mutated among 2600 FH index cases screened = 8 / Software predictions: Benign

Ambry Genetics
Classification: Benign for Cardiovascular phenotype. Last evaluated: 2016-03-23. Review status: criteria provided, single submitter. Criteria: Ambry Variant Classification Scheme 2023. Collection method: clinical testing. Allele origin: germline.

Mayo Clinic Laboratories, Mayo Clinic
Classification: Benign. Last evaluated: 2014-04-17. Review status: criteria provided, single submitter. Criteria: ACMG Guidelines, 2015. Collection method: clinical testing. Allele origin: germline. Observed: 7 variant alleles.

PreventionGenetics, part of Exact Sciences
Classification: Benign. Review status: criteria provided, single submitter. Criteria: ACMG Guidelines, 2015. Collection method: clinical testing. Allele origin: germline.

Cohesion Phenomics
Classification: Benign for Familial hypercholesterolemia. Last evaluated: 2023-02-09. Review status: no assertion criteria provided. Criteria: ACMG Guidelines, 2015. Collection method: clinical testing. Allele origin: germline. Affected: yes. Not counted in ClinVar's aggregate classification.

Laboratory of Genetics and Molecular Cardiology, University of São Paulo
Classification: Uncertain significance for Familial hypercholesterolemia. Last evaluated: 2016-03-01. Review status: flagged submission. Criteria: ACMG Guidelines, 2015. Collection method: research. Allele origin: germline. Study: HipercolBrasil. Not counted in ClinVar's aggregate classification.
ClinVar note: Reason: Outlier claim with insufficient supporting evidence

Laboratorium voor Moleculaire Diagnostiek Experimentele Vasculaire Geneeskunde, Academisch Medisch Centrum
Classification: Pathogenic for Familial hypercholesterolemia. Review status: flagged submission. Collection method: research. Allele origin: germline. Not counted in ClinVar's aggregate classification.
ClinVar note: Reason: Outlier claim with insufficient supporting evidence

Literature cited by the submitters: PubMed 16465619 (cited by Quest Diagnostics Nichols Institute San Juan Capistrano).